The following is an entry in ClinVar:

NM_005883.3(APC2):c.6196C>G (p.Pro2066Ala)

Genes: APC2 (APC regulator of Wnt signaling pathway 2; plus strand), LOC130062957 (ATAC-STARR-seq lymphoblastoid silent region 9719; plus strand). Cytogenetic location: 19p13.3.
Variant type: single nucleotide variant.
Coding change: c.6196C>G on transcript NM_005883.3 (MANE Select); coding-DNA position 6196, C replaced by G.
Protein change: p.Pro2066Ala; replaces proline 2066 with alanine.
Molecular consequence: missense variant.
Genome position (GRCh38, 1-based): chr19:1,469,497, C>G. VCF-style: chr19-1469497-C-G. GRCh37 (hg19) VCF-style: chr19-1469496-C-G.
Other names: c.6196C>G (NM_005883.2); c.6193C>G, p.Pro2065Ala (NM_001351273.1); short protein forms P2065A, P2066A.
Identifiers: ClinVar variation 2149754 (VCV002149754.5), dbSNP rs759510835, ClinGen allele CA9046133.
Genomic context (GRCh38, chr19:1,469,497, plus strand): 5'-CTCCGAGCGGCACCCCGGCAGGGCCCGGCCCCGGCCCGGCAGCGGCCCCCCGCGGCCCGA[C>G]CCAGCCCTGGCGAGCGCCCTGCCCGGCGCACCACCTCCGAGAGCCCGTCCCGCCTGCCTG-3'
Protein context (NP_005874.1, residues 2056-2076): PARQRPPAAR[Pro2066Ala]SPGERPARRT

ClinVar aggregate classification (germline): Uncertain significance. Review status: criteria provided, multiple submitters, no conflicts (2 of 4 stars). 3 submissions from 3 submitters: Uncertain significance (3). Last evaluated 2025-06-03.

Conditions:
APC2-related disorder. Also called: APC2-related condition; APC2-Related Disorders.

Allele frequency attached by ClinVar (database versions not stated): gnomAD exomes 0.00006; TOPMed 0.00006; gnomAD 0.00009; 1000 Genomes Project 30x 0.00016.
gnomAD v4.1: 72 of 1,128,494 alleles (0.0064%); highest among the groups gnomAD compares: Middle Eastern, 0.16%; no homozygotes.

Submissions (3):

GeneDx
Classification: Uncertain significance. Last evaluated: 2025-06-03. Review status: criteria provided, single submitter. Criteria: GeneDx Variant Classification Process June 2021. Collection method: clinical testing. Allele origin: germline. Affected: yes.
Comment: Not observed at significant frequency in large population cohorts (gnomAD); In silico analysis suggests that this missense variant does not alter protein structure/function; Has not been previously published as pathogenic or benign to our knowledge

Labcorp Genetics (formerly Invitae), Labcorp
Classification: Uncertain significance. Last evaluated: 2024-10-29. Review status: criteria provided, single submitter. Criteria: Invitae Variant Classification Sherloc (09022015). Collection method: clinical testing. Allele origin: germline.
Comment: This sequence change replaces proline, which is neutral and non-polar, with alanine, which is neutral and non-polar, at codon 2066 of the APC2 protein (p.Pro2066Ala). The frequency data for this variant in the population databases is considered unreliable, as metrics indicate poor data quality at this position in the gnomAD database. This variant has not been reported in the literature in individuals affected with APC2-related conditions. ClinVar contains an entry for this variant (Variation ID: 2149754). Invitae Evidence Modeling of protein sequence and biophysical properties (such as structural, functional, and spatial information, amino acid conservation, physicochemical variation, residue mobility, and thermodynamic stability) indicates that this missense variant is not expected to disrupt APC2 protein function with a negative predictive value of 80%. In summary, the available evidence is currently insufficient to determine the role of this variant in disease. Therefore, it has been classified as a Variant of Uncertain Significance.

PreventionGenetics, part of Exact Sciences
Classification: Uncertain significance for APC2-related condition. Last evaluated: 2023-02-03. Review status: criteria provided, single submitter. Criteria: ACMG Guidelines, 2015. Collection method: clinical testing. Allele origin: germline.
Comment: The APC2 c.6196C>G variant is predicted to result in the amino acid substitution p.Pro2066Ala. To our knowledge, this variant has not been reported in the literature or in a large population database, indicating this variant is rare. At this time, the clinical significance of this variant is uncertain due to the absence of conclusive functional and genetic evidence.